The following is an entry in ClinVar:

ClinVar aggregate classification (germline): Uncertain significance (1 of 4 stars; one submission).

Conditions:
Familial adenomatous polyposis 2. Also called: COLORECTAL ADENOMATOUS POLYPOSIS, AUTOSOMAL RECESSIVE; ADENOMAS, MULTIPLE COLORECTAL, AUTOSOMAL RECESSIVE; MYH-associated polyposis; MUTYH-associated polyposis; MUTYH-related attenuated familial adenomatous polyposis; MUTYH Polyposis. Identifiers: Orphanet 220460, Orphanet 247798, MedGen C3272841, MONDO:0012041, OMIM 608456.

Submission:

All of Us Research Program, National Institutes of Health
Classification: Uncertain significance for Familial adenomatous polyposis 2. Last evaluated: 2023-06-08. Review status: criteria provided, single submitter. Criteria: ACMG Guidelines, 2015. Collection method: clinical testing. Allele origin: germline. Inheritance: Autosomal recessive inheritance. Observed: 1 variant allele, 1 heterozygote.
Comment: This variant causes a 15 nucleotide duplication in intron 7 of the MUTYH gene. Splice site prediction tools predict that this variant may have a significant impact on RNA splicing. To our knowledge, functional studies have not been reported for this variant. This variant has not been reported in individuals affected with hereditary cancer in the literature. This variant has not been identified in the general population by the Genome Aggregation Database (gnomAD). The available evidence is insufficient to determine the role of this variant in disease conclusively. Therefore, this variant is classified as a Variant of Uncertain Significance.

This study involves interpretation of variants in research participants for the purpose of population health screening. Participant phenotype was not available at the time of variant classification. Additional details can be found in publication PMID: 35346344, PMCID: PMC8962531

NM_001048174.2(MUTYH):c.480_492+2dup

Gene: MUTYH (mutY DNA glycosylase; minus strand). Cytogenetic location: 1p34.1.
Variant type: Duplication.
Coding change: c.480_492+2dup on transcript NM_001048174.2 (MANE Select); coding-DNA position 480 through the canonical splice donor site of the intron after coding-DNA position 492, 15 bases duplicated (GGGAGCTCGGAAGGT).
Molecular consequence: splice donor variant.
Genome position (GRCh38, 1-based): chr1:45,332,761-45,332,775, ACCTTCCGAGCTCCC duplicated on the plus strand (GGGAGCTCGGAAGGT on the coding strand, the reverse complement: MUTYH is on the minus strand). VCF-style (leftmost placement, unchanged base first): chr1-45332760-T-TACCTTCCGAGCTCCC. GRCh37 (hg19) VCF-style: chr1-45798432-T-TACCTTCCGAGCTCCC.
Other names: c.480_492+2dup (NM_001407072.1, NM_001407073.1, NM_001048171.2 and 6 more transcripts); c.135_147+2dup (NM_001350651.2, NM_001350650.2, NM_001407082.1); c.204_216+2dup (NM_001293192.2, NM_001293196.2, NM_001407091.1); c.525_537+2dup (NM_001293190.2); c.513_525+2dup (NM_001407069.1, NM_001407077.1, NM_001293191.2); c.555_567+2dup (NM_012222.3); c.564_576+2dup (NM_001128425.2); c.483_495+2dup (NM_001407071.1, NM_001048172.2, NM_001407078.1 and 1 more transcripts); and 5 more.
Identifiers: ClinVar variation 3071630 (VCV003071630.1), dbSNP rs2524167917, ClinGen allele CA2825000969.